The following is an entry in ClinVar:

ClinVar aggregate classification (germline): Uncertain significance (1 of 4 stars; one submission).

Conditions:
Alzheimer disease 4 (AD4). Identifiers: Orphanet 1020, MedGen C1847200, MONDO:0011743, OMIM 606889.

Submission:

Labcorp Genetics (formerly Invitae), Labcorp
Classification: Uncertain significance for Alzheimer disease 4. Last evaluated: 2025-06-01. Review status: criteria provided, single submitter. Criteria: Invitae Variant Classification Sherloc (09022015). Collection method: clinical testing. Allele origin: germline.
Comment: This sequence change replaces proline, which is neutral and non-polar, with arginine, which is basic and polar, at codon 94 of the PSEN2 protein (p.Pro94Arg). This variant is not present in population databases (gnomAD no frequency). This variant has not been reported in the literature in individuals affected with PSEN2-related conditions. Invitae Evidence Modeling of protein sequence and biophysical properties (such as structural, functional, and spatial information, amino acid conservation, physicochemical variation, residue mobility, and thermodynamic stability) indicates that this missense variant is expected to disrupt PSEN2 protein function with a positive predictive value of 80%. In summary, the available evidence is currently insufficient to determine the role of this variant in disease. Therefore, it has been classified as a Variant of Uncertain Significance.

NM_000447.3(PSEN2):c.281C>G (p.Pro94Arg)

Gene: PSEN2 (presenilin 2; plus strand). Cytogenetic location: 1q42.13.
Variant type: single nucleotide variant.
Coding change: c.281C>G on transcript NM_000447.3 (MANE Select); coding-DNA position 281, C replaced by G.
Protein change: p.Pro94Arg; replaces proline 94 with arginine.
Molecular consequence: missense variant.
Genome position (GRCh38, 1-based): chr1:226,883,844, C>G. VCF-style: chr1-226883844-C-G. GRCh37 (hg19) VCF-style: chr1-227071545-C-G.
Other names: c.281C>G, p.Pro94Arg (NM_001437537.1, NM_012486.3); short protein forms P94R.
Identifiers: ClinVar variation 4741751 (VCV004741751.1).